The following is an entry in ClinVar:

NM_000492.4(CFTR):c.2977G>A (p.Asp993Asn)

Genes: CFTR (CF transmembrane conductance regulator; plus strand), CFTR-AS2 (CFTR antisense RNA 2; minus strand). Cytogenetic location: 7q31.2.
Variant type: single nucleotide variant.
Coding change: c.2977G>A on transcript NM_000492.4 (MANE Select); coding-DNA position 2977, G replaced by A.
Protein change: p.Asp993Asn; replaces aspartic acid 993 with asparagine.
Molecular consequence: missense variant.
Genome position (GRCh38, 1-based): chr7:117,606,742, G>A. VCF-style: chr7-117606742-G-A. GRCh37 (hg19) VCF-style: chr7-117246796-G-A.
Other names: short protein forms D993N.
Identifiers: ClinVar variation 4687745 (VCV004687745.1).

ClinVar aggregate classification (germline): Uncertain significance (1 of 4 stars; one submission).

Submission:

Women's Health and Genetics/Laboratory Corporation of America, LabCorp
Classification: Uncertain significance. Last evaluated: 2025-10-27. Review status: criteria provided, single submitter. Criteria: LabCorp Variant Classification Summary - May 2015. Collection method: clinical testing. Allele origin: germline.
Comment: Variant summary: CFTR c.2977G>A (p.Asp993Asn) results in a conservative amino acid change in the encoded protein sequence. Algorithms developed to predict the effect of missense changes on protein structure and function are either unavailable or do not agree on the potential impact of this missense change. The variant was absent in 251120 control chromosomes. The available data on variant occurrences in the general population are insufficient to allow any conclusion about variant significance. To our knowledge, no occurrence of c.2977G>A in individuals affected with CFTR-related conditions and no experimental evidence demonstrating its impact on protein function have been reported. No submitters have cited clinical-significance assessments for this variant to ClinVar. Based on the evidence outlined above, the variant was classified as uncertain significance.